The following is an entry in ClinVar:

ClinVar aggregate classification (germline): Uncertain significance (1 of 4 stars; one submission).

Conditions:
Tuberous sclerosis 2 (TSC2). Identifiers: Orphanet 805, MedGen C1860707, MONDO:0013199, OMIM 613254.

Submission:

Labcorp Genetics (formerly Invitae), Labcorp
Classification: Uncertain significance for Tuberous sclerosis 2. Last evaluated: 2022-10-13. Review status: criteria provided, single submitter. Criteria: Invitae Variant Classification Sherloc (09022015). Collection method: clinical testing. Allele origin: germline.
Comment: This variant, c.165_167del, results in the deletion of 1 amino acid(s) of the TSC2 protein (p.Asn56del), but otherwise preserves the integrity of the reading frame. In summary, the available evidence is currently insufficient to determine the role of this variant in disease. Therefore, it has been classified as a Variant of Uncertain Significance. Experimental studies and prediction algorithms are not available or were not evaluated, and the functional significance of this variant is currently unknown. This variant has not been reported in the literature in individuals affected with TSC2-related conditions. This variant is not present in population databases (gnomAD no frequency).

NM_000548.5(TSC2):c.162CAA[1] (p.Asn56del)

Gene: TSC2 (TSC complex subunit 2; plus strand). Cytogenetic location: 16p13.3.
Variant type: Microsatellite.
Coding change: c.162CAA[1] on transcript NM_000548.5 (MANE Select); one copy of the 3-base unit CAA starting at c.162; the reference has two copies in a row; one copy, 3 bases deleted.
Protein change: p.Asn56del; deletes asparagine 56.
Molecular consequence: inframe deletion. On other transcripts: inframe indel (13), 5 prime UTR variant (1).
Genome position (GRCh38, 1-based): chr16:2,050,426-2,050,428, CAA deleted; deleting any 3 consecutive bases within chr16:2,050,423-2,050,428 gives the same sequence; the position shown is the placement nearest the transcript's 3' end. VCF-style (leftmost placement, unchanged base first): chr16-2050422-TCAA-T. GRCh37 (hg19) VCF-style: chr16-2100423-TCAA-T.
Other names: c.162CAA[1], p.Asn56del (NM_001370404.1, NM_001370405.1, NM_021055.3 and 4 more transcripts); c.162_164CAA[1], p.Asn56del (NM_001406663.1, NM_001406664.1, NM_001406665.1 and 6 more transcripts); c.15_17CAA[1], p.Asn7del (NM_001406675.1, NM_001406676.1, NM_001406677.1 and 1 more transcripts); c.-655_-653CAA[1] (NM_001406680.1, NM_001406683.1, NM_001406687.1); c.-284_-282CAA[1] (NM_001406681.1); c.-65_-63CAA[1] (NM_001406682.1, NM_001406684.1, NM_001406685.1 and 2 more transcripts); c.-1270_-1268CAA[1] (NM_001406689.1, NM_001406690.1, NM_001406691.1 and 2 more transcripts); c.-1576_-1574CAA[1] (NM_001406693.1); and 6 more; short protein forms N7del, N67del, N56del.
Identifiers: ClinVar variation 2173356 (VCV002173356.4), dbSNP rs2548372315, ClinGen allele CA2580612725.